The following is an entry in ClinVar:

ClinVar aggregate classification (germline): Uncertain significance (1 of 4 stars; one submission).

gnomAD v4.1: 81 of 1,613,744 alleles (0.005%); highest among the groups gnomAD compares: South Asian, 0.0011%; 1 homozygote.

Submission:

Labcorp Genetics (formerly Invitae), Labcorp
Classification: Uncertain significance. Last evaluated: 2025-07-07. Review status: criteria provided, single submitter. Criteria: Invitae Variant Classification Sherloc (09022015). Collection method: clinical testing. Allele origin: germline.
Comment: This sequence change replaces alanine, which is neutral and non-polar, with valine, which is neutral and non-polar, at codon 110 of the APPL1 protein (p.Ala110Val). This variant is present in population databases (rs201464226, gnomAD 0.1%), and has an allele count higher than expected for a pathogenic variant. This variant has not been reported in the literature in individuals affected with APPL1-related conditions. ClinVar contains an entry for this variant (Variation ID: 3700616). Invitae Evidence Modeling of protein sequence and biophysical properties (such as structural, functional, and spatial information, amino acid conservation, physicochemical variation, residue mobility, and thermodynamic stability) indicates that this missense variant is not expected to disrupt APPL1 protein function with a negative predictive value of 80%. In summary, the available evidence is currently insufficient to determine the role of this variant in disease. Therefore, it has been classified as a Variant of Uncertain Significance.

NM_012096.3(APPL1):c.329C>T (p.Ala110Val)

Gene: APPL1 (adaptor protein, phosphotyrosine interacting with PH domain and leucine zipper 1; plus strand). Cytogenetic location: 3p14.3.
Variant type: single nucleotide variant.
Coding change: c.329C>T on transcript NM_012096.3 (MANE Select); coding-DNA position 329, C replaced by T.
Protein change: p.Ala110Val; replaces alanine 110 with valine.
Molecular consequence: missense variant.
Genome position (GRCh38, 1-based): chr3:57,240,508, C>T. VCF-style: chr3-57240508-C-T. GRCh37 (hg19) VCF-style: chr3-57274536-C-T.
Other names: short protein forms A110V.
Identifiers: ClinVar variation 3700616 (VCV003700616.2).